The following is an entry in ClinVar:

ClinVar aggregate classification (germline): Uncertain significance (1 of 4 stars; one submission).

Allele frequency attached by ClinVar (database versions not stated): ExAC 0.00001; gnomAD 0.00001; gnomAD exomes 0.00001; TOPMed 0.00002; ESP Exome Variant Server 0.00008.
gnomAD v4.1: 56 of 1,613,608 alleles (0.0035%); highest among the groups gnomAD compares: Non-Finnish European, 0.0047%; no homozygotes.

Submission:

ARUP Laboratories, Molecular Genetics and Genomics, ARUP Laboratories
Classification: Uncertain significance. Last evaluated: 2021-08-15. Review status: criteria provided, single submitter. Criteria: ARUP Molecular Germline Variant Investigation Process 2021. Collection method: clinical testing. Allele origin: germline.
Comment: The p.Arg1468Cys variant, to our knowledge, has not been reported in the medical literature or gene specific databases. A different variant in the same codon, p.Arg1468Cys, was demonstrated to have arisen de novo in a patient included in a large cohort of Autism patients (Satterstrom 2020). However, based on the available information, the clinical significance of the p.Arg1468Cys variant is uncertain. References: Satterstrom FK et al. Large-Scale Exome Sequencing Study Implicates Both Developmental and Functional Changes in the Neurobiology of Autism. Cell. 2020 Feb 6;180(3):568-584.e23. PMID: 31981491 Schneeberger PE et al. Biallelic MADD variants cause a phenotypic spectrum ranging from developmental delay to a multisystem disorder. Brain. 2020 Aug 1;143(8):2437-2453. PMID: 32761064

NM_001376571.1(MADD):c.4402C>T (p.Arg1468Cys)

Gene: MADD (MAP kinase activating death domain; plus strand). Cytogenetic location: 11p11.2.
Variant type: single nucleotide variant.
Coding change: c.4402C>T on transcript NM_001376571.1 (MANE Select); coding-DNA position 4402, C replaced by T.
Protein change: p.Arg1468Cys; replaces arginine 1468 with cysteine.
Molecular consequence: missense variant. On other transcripts: non-coding transcript variant (8).
Genome position (GRCh38, 1-based): chr11:47,323,695, C>T. VCF-style: chr11-47323695-C-T. GRCh37 (hg19) VCF-style: chr11-47345246-C-T.
Other names: c.4093C>T, p.Arg1365Cys (NM_001135943.2); c.4084C>T, p.Arg1362Cys (NM_001135944.2, NM_001376618.1, NM_001376619.1 and 2 more transcripts); c.4390C>T, p.Arg1464Cys (NM_001376572.1, NM_001376573.1, NM_001376599.1 and 2 more transcripts); c.4348C>T, p.Arg1450Cys (NM_001376574.1, NM_001376605.1); c.4342C>T, p.Arg1448Cys (NM_001376575.1); c.4330C>T, p.Arg1444Cys (NM_001376576.1, NM_001376577.1, NM_001376610.1); c.4303C>T, p.Arg1435Cys (NM_001376578.1); c.4276C>T, p.Arg1426Cys (NM_001376579.1, NM_001376580.1, NM_001376622.1 and 1 more transcripts); and 43 more; short protein forms R1187C, R1257C, R1306C, R1318C, R1328C, R1333C, R1335C, R1336C.
Identifiers: ClinVar variation 1330502 (VCV001330502.7), dbSNP rs141562374, ClinGen allele CA5975141.